The following is an entry in ClinVar:

NM_004839.4(HOMER2):c.793A>G (p.Ile265Val)

Gene: HOMER2 (homer scaffold protein 2; minus strand). Cytogenetic location: 15q25.2.
Variant type: single nucleotide variant.
Coding change: c.793A>G on transcript NM_004839.4 (MANE Select); coding-DNA position 793, A replaced by G.
Protein change: p.Ile265Val; replaces isoleucine 265 with valine.
Molecular consequence: missense variant.
Genome position (GRCh38, 1-based): chr15:82,851,201, T>C on the plus strand (A>G on the coding strand, the complement: HOMER2 is on the minus strand). VCF-style: chr15-82851201-T-C. GRCh37 (hg19) VCF-style: chr15-83519953-T-C.
Other names: c.826A>G, p.Ile276Val (NM_199330.3); short protein forms I265V, I276V.
Identifiers: ClinVar variation 1318195 (VCV001318195.9), dbSNP rs373795200, ClinGen allele CA7702000.

ClinVar aggregate classification (germline): Benign/Likely benign. Review status: criteria provided, multiple submitters, no conflicts (2 of 4 stars). 2 submissions from 2 submitters: Benign (1); Likely benign (1). Last evaluated 2024-06-19.

Allele frequency attached by ClinVar (database versions not stated): gnomAD exomes 0.00006 and 0.00030; gnomAD 0.00008 and 0.00009; TOPMed 0.00012; 1000 Genomes Project 30x 0.00016; ExAC 0.00048.
gnomAD v4.1: 98 of 1,567,744 alleles (0.0063%); highest among the groups gnomAD compares: East Asian, 0.15%; no homozygotes.

Submissions (2):

Labcorp Genetics (formerly Invitae), Labcorp
Classification: Benign. Last evaluated: 2024-06-19. Review status: criteria provided, single submitter. Criteria: Invitae Variant Classification Sherloc (09022015). Collection method: clinical testing. Allele origin: germline.

GeneDx
Classification: Likely benign. Last evaluated: 2021-01-06. Review status: criteria provided, single submitter. Criteria: GeneDx Variant Classification Process June 2021. Collection method: clinical testing. Allele origin: germline. Affected: yes.
Comment: This variant is associated with the following publications: (PMID: 33343614)